The following is an entry in ClinVar:

NM_000051.4(ATM):c.7333del (p.Leu2445fs)

Genes: ATM (ATM serine/threonine kinase; plus strand), C11orf65 (chromosome 11 open reading frame 65; minus strand). Cytogenetic location: 11q22.3.
Variant type: Deletion.
Coding change: c.7333del on transcript NM_000051.4 (MANE Select); coding-DNA position 7333, one base deleted (C; older notation c.7333delC).
Protein change: p.Leu2445fs; shifts the reading frame from leucine 2445.
Molecular consequence: frameshift variant. On other transcripts: intron variant (2).
Genome position (GRCh38, 1-based): chr11:108,330,239, C deleted. VCF-style (leftmost placement, unchanged base first): chr11-108330238-GC-G. GRCh37 (hg19) VCF-style: chr11-108200965-GC-G.
Other names: c.7333del, p.Leu2445fs (NM_001351834.2); c.641-21168del (NM_001330368.2); c.*38+4981del (NM_001351110.2); short protein forms L2445fs.
Identifiers: ClinVar variation 826972 (VCV000826972.6), dbSNP rs1591159924, ClinGen allele CA915948281.

ClinVar aggregate classification (germline): Pathogenic (1 of 4 stars; one submission).

Conditions:
Hereditary cancer-predisposing syndrome. Also called: Tumor predisposition; Neoplastic Syndromes, Hereditary; Hereditary Cancer Syndrome; Hereditary neoplastic syndrome. Identifiers: Orphanet 140162, MedGen C0027672, MeSH D009386, MONDO:0015356.

Submission:

Ambry Genetics
Classification: Pathogenic for Hereditary cancer-predisposing syndrome. Last evaluated: 2019-12-18. Review status: criteria provided, single submitter. Criteria: Ambry Variant Classification Scheme 2023. Collection method: clinical testing. Allele origin: germline.
Comment: The c.7333delC pathogenic mutation, located in coding exon 49 of the ATM gene, results from a deletion of one nucleotide at nucleotide position 7333, causing a translational frameshift with a predicted alternate stop codon (p.L2445Wfs*6). This alteration has been reported with a carrier frequency of 0.00014 in 7051 unselected breast cancer patients and 0.00000 in 11241 female controls of Japanese ancestry (Momozawa Y et al. Nat Commun, 2018 10;9:4083). In addition to the clinical data presented in the literature, this alteration is expected to result in loss of function by premature protein truncation or nonsense-mediated mRNA decay. As such, this alteration is interpreted as a disease-causing mutation.

Literature cited by the submitters: PubMed 30287823.